The following is an entry in ClinVar:

NM_000388.4(CASR):c.820C>T (p.Pro274Ser)

Gene: CASR (calcium sensing receptor; plus strand). Cytogenetic location: 3q21.1.
Variant type: single nucleotide variant.
Coding change: c.820C>T on transcript NM_000388.4 (MANE Select); coding-DNA position 820, C replaced by T.
Protein change: p.Pro274Ser; replaces proline 274 with serine.
Molecular consequence: missense variant.
Genome position (GRCh38, 1-based): chr3:122,261,855, C>T. VCF-style: chr3-122261855-C-T. GRCh37 (hg19) VCF-style: chr3-121980702-C-T.
Other names: c.820C>T (NM_000388.3); c.820C>T, p.Pro274Ser (NM_001178065.2); short protein forms P274S.
Identifiers: ClinVar variation 2421983 (VCV002421983.8), dbSNP rs2074627999, ClinGen allele CA354151426.

ClinVar aggregate classification (germline): Uncertain significance. Review status: criteria provided, multiple submitters, no conflicts (2 of 4 stars). 2 submissions from 2 submitters: Uncertain significance (2). Last evaluated 2023-11-24.

Conditions:
Familial hypocalciuric hypercalcemia (FHH). Also called: Familial benign hypercalcemia. Identifiers: Orphanet 405, MedGen C1809471, MONDO:0018458.
Autosomal dominant hypocalcemia 1 (HYPOC1). Also called: HYPOCALCEMIA, FAMILIAL. Identifiers: MedGen C3715128, MONDO:0011013, OMIM 601198.
Nephrolithiasis/nephrocalcinosis. Identifiers: MedGen CN580796.

Allele frequency attached by ClinVar (database versions not stated): gnomAD exomes below 0.00001; TOPMed below 0.00001; gnomAD 0.00001.
gnomAD v4.1: 2 of 1,614,058 alleles (0.00012%); highest among the groups gnomAD compares: African/African-American, 0.0013%; no homozygotes.

Submissions (2):

Labcorp Genetics (formerly Invitae), Labcorp
Classification: Uncertain significance for Familial hypocalciuric hypercalcemia; Autosomal dominant hypocalcemia 1. Last evaluated: 2023-11-24. Review status: criteria provided, single submitter. Criteria: Invitae Variant Classification Sherloc (09022015). Collection method: clinical testing. Allele origin: germline.
Comment: This sequence change replaces proline, which is neutral and non-polar, with serine, which is neutral and polar, at codon 274 of the CASR protein (p.Pro274Ser). This variant is not present in population databases (gnomAD no frequency). This variant has not been reported in the literature in individuals affected with CASR-related conditions. ClinVar contains an entry for this variant (Variation ID: 2421983). An algorithm developed to predict the effect of missense changes on protein structure and function (PolyPhen-2) suggests that this variant is likely to be disruptive. Experimental studies have shown that this missense change does not substantially affect CASR function (PMID: 20164288). In summary, the available evidence is currently insufficient to determine the role of this variant in disease. Therefore, it has been classified as a Variant of Uncertain Significance.

Ambry Genetics
Classification: Uncertain significance for Nephrolithiasis/nephrocalcinosis. Last evaluated: 2023-09-12. Review status: criteria provided, single submitter. Criteria: Ambry Variant Classification Scheme 2023. Collection method: clinical testing. Allele origin: germline.
Comment: The p.P274S variant (also known as c.820C>T), located in coding exon 3 of the CASR gene, results from a C to T substitution at nucleotide position 820. The proline at codon 274 is replaced by serine, an amino acid with similar properties. This amino acid position is well conserved in available vertebrate species. In addition, the in silico prediction for this alteration is inconclusive. Since supporting evidence is limited at this time, the clinical significance of this alteration remains unclear.

Literature cited by the submitters: PubMed 20164288 (cited by Labcorp Genetics (formerly Invitae), Labcorp).